The following is an entry in ClinVar:

ClinVar aggregate classification (germline): Uncertain significance (1 of 4 stars; one submission).

Conditions:
LAMA2-related muscular dystrophy (LAMA2-RD). Also called: Laminin alpha 2-related dystrophy. Identifiers: MedGen C5679788, MONDO:0100228.

Allele frequency attached by ClinVar (database versions not stated): TOPMed below 0.00001.

Submission:

Labcorp Genetics (formerly Invitae), Labcorp
Classification: Uncertain significance for LAMA2-related muscular dystrophy. Last evaluated: 2024-02-17. Review status: criteria provided, single submitter. Criteria: Invitae Variant Classification Sherloc (09022015). Collection method: clinical testing. Allele origin: germline.
Comment: This sequence change replaces cysteine, which is neutral and slightly polar, with phenylalanine, which is neutral and non-polar, at codon 426 of the LAMA2 protein (p.Cys426Phe). This variant is not present in population databases (gnomAD no frequency). This variant has not been reported in the literature in individuals affected with LAMA2-related conditions. ClinVar contains an entry for this variant (Variation ID: 940136). Advanced modeling of protein sequence and biophysical properties (such as structural, functional, and spatial information, amino acid conservation, physicochemical variation, residue mobility, and thermodynamic stability) has been performed at Invitae for this missense variant, however the output from this modeling did not meet the statistical confidence thresholds required to predict the impact of this variant on LAMA2 protein function. In summary, the available evidence is currently insufficient to determine the role of this variant in disease. Therefore, it has been classified as a Variant of Uncertain Significance.

NM_000426.4(LAMA2):c.1277G>T (p.Cys426Phe)

Gene: LAMA2 (laminin subunit alpha 2; plus strand). Cytogenetic location: 6q22.33.
Variant type: single nucleotide variant.
Coding change: c.1277G>T on transcript NM_000426.4 (MANE Select); coding-DNA position 1277, G replaced by T.
Protein change: p.Cys426Phe; replaces cysteine 426 with phenylalanine.
Molecular consequence: missense variant.
Genome position (GRCh38, 1-based): chr6:129,165,646, G>T. VCF-style: chr6-129165646-G-T. GRCh37 (hg19) VCF-style: chr6-129486791-G-T.
Other names: c.1277G>T, p.Cys426Phe (NM_001079823.2); short protein forms C426F.
Identifiers: ClinVar variation 940136 (VCV000940136.10), dbSNP rs1779702986, ClinGen allele CA365607312.